The following is an entry in ClinVar:

NM_001201550.3(CFHR4):c.1681C>A (p.Leu561Ile)

Gene: CFHR4 (complement factor H related 4; plus strand). Cytogenetic location: 1q31.3.
Variant type: single nucleotide variant.
Coding change: c.1681C>A on transcript NM_001201550.3 (MANE Select); coding-DNA position 1681, C replaced by A.
Protein change: p.Leu561Ile; replaces leucine 561 with isoleucine.
Molecular consequence: missense variant.
Genome position (GRCh38, 1-based): chr1:196,918,350, C>A. VCF-style: chr1-196918350-C-A. GRCh37 (hg19) VCF-style: chr1-196887480-C-A.
Other names: p.Leu560Ile; c.1678C>A, p.Leu560Ile (NM_001201551.2); c.940C>A, p.Leu314Ile (NM_006684.5); short protein forms L314I, L560I, L561I.
Identifiers: ClinVar variation 4684012 (VCV004684012.2).

ClinVar aggregate classification (germline): Likely benign. Review status: criteria provided, multiple submitters, no conflicts (2 of 4 stars). 2 submissions from 2 submitters: Likely benign (2). Last evaluated 2026-02-06.

gnomAD v4.1: 494 of 1,612,114 alleles (0.031%); highest among the groups gnomAD compares: African/African-American, 0.58%; 19 homozygotes.

Submissions (2):

Women's Health and Genetics/Laboratory Corporation of America, LabCorp
Classification: Likely benign. Last evaluated: 2026-02-06. Review status: criteria provided, single submitter. Criteria: LabCorp Variant Classification Summary - May 2015. Collection method: clinical testing. Allele origin: germline.
Comment: Variant summary: CFHR4 c.1681C>A (p.Leu561Ile) results in a conservative amino acid change in the encoded protein sequence. Algorithms developed to predict the effect of missense changes on protein structure and function all suggest that this variant is likely to be tolerated. The variant allele was found at a frequency of 0.0005 in 251270 control chromosomes, predominantly at a frequency of 0.0071 within the African or African-American subpopulation in the gnomAD database, including 7 homozygotes. The observed variant frequency within African or African-American control individuals in the gnomAD database exceeds the estimated maximal expected allele frequency for disease-causing variants in CFHR4. To our knowledge, no occurrence of c.1681C>A in individuals affected with CFHR4-related conditions and no experimental evidence demonstrating its impact on protein function have been reported. ClinVar contains an entry for this variant (Variation ID: 4684012). Based on the evidence outlined above, the variant was classified as likely benign.

Mayo Clinic Laboratories, Mayo Clinic
Classification: Likely benign. Last evaluated: 2024-03-20. Review status: criteria provided, single submitter. Criteria: ACMG Guidelines, 2015. Collection method: clinical testing. Allele origin: germline. Observed: 7 variant alleles.
Comment: BS1, BP4